The following is an entry in ClinVar:

NM_000138.5(FBN1):c.7463A>G (p.Glu2488Gly)

Gene: FBN1 (fibrillin 1; minus strand). Cytogenetic location: 15q21.1.
Variant type: single nucleotide variant.
Coding change: c.7463A>G on transcript NM_000138.5 (MANE Select); coding-DNA position 7463, A replaced by G.
Protein change: p.Glu2488Gly; replaces glutamic acid 2488 with glycine.
Molecular consequence: missense variant.
Genome position (GRCh38, 1-based): chr15:48,422,059, T>C on the plus strand (A>G on the coding strand, the complement: FBN1 is on the minus strand). VCF-style: chr15-48422059-T-C. GRCh37 (hg19) VCF-style: chr15-48714256-T-C.
Other names: c.7463A>G, p.Glu2488Gly (NM_001406716.1); short protein forms E2488G.
Identifiers: ClinVar variation 2029363 (VCV002029363.4), dbSNP rs2505399894, ClinGen allele CA392326215.

ClinVar aggregate classification (germline): Likely pathogenic (1 of 4 stars; one submission).

Conditions:
Familial thoracic aortic aneurysm and aortic dissection (TAAD). Also called: Thoracic aortic aneurysms and dissections. Identifiers: Orphanet 91387, MedGen C4707243, MONDO:0019625.
Marfan syndrome (MFS). Also called: MARFAN SYNDROME, TYPE I; Marfan syndrome type 1; Marfan's syndrome; Marfan syndrome, classic; FBN1-Related Marfan Syndrome. Identifiers: Orphanet 284963, Orphanet 558, MedGen C0024796, MONDO:0007947, OMIM 154700.

Submission:

Labcorp Genetics (formerly Invitae), Labcorp
Classification: Likely pathogenic for Marfan syndrome; Familial thoracic aortic aneurysm and aortic dissection. Last evaluated: 2023-03-13. Review status: criteria provided, single submitter. Criteria: Invitae Variant Classification Sherloc (09022015). Collection method: clinical testing. Allele origin: germline.
Comment: In summary, the currently available evidence indicates that the variant is pathogenic, but additional data are needed to prove that conclusively. Therefore, this variant has been classified as Likely Pathogenic. This variant disrupts the p.Glu2488 amino acid residue in FBN1. Other variant(s) that disrupt this residue have been observed in individuals with FBN1-related conditions (Invitae), which suggests that this may be a clinically significant amino acid residue. Advanced modeling of protein sequence and biophysical properties (such as structural, functional, and spatial information, amino acid conservation, physicochemical variation, residue mobility, and thermodynamic stability) performed at Invitae indicates that this missense variant is expected to disrupt FBN1 protein function. ClinVar contains an entry for this variant (Variation ID: 2029363). This missense change has been observed in individual(s) with Marfan syndrome (Invitae). This variant is not present in population databases (gnomAD no frequency). This sequence change replaces glutamic acid, which is acidic and polar, with glycine, which is neutral and non-polar, at codon 2488 of the FBN1 protein (p.Glu2488Gly).